The following is an entry in ClinVar:

ClinVar aggregate classification (germline): Conflicting classifications of pathogenicity. Review status: criteria provided, conflicting classifications (1 of 4 stars). 9 submissions from 9 submitters: Uncertain significance (6); Likely benign (1). 2 of the submissions do not count toward it. Last evaluated 2026-06-08.

Conditions:
Hereditary cancer-predisposing syndrome. Also called: Neoplastic Syndromes, Hereditary; Tumor predisposition; Hereditary neoplastic syndrome; Hereditary Cancer Syndrome. Identifiers: Orphanet 140162, MedGen C0027672, MeSH D009386, MONDO:0015356.
Hereditary breast ovarian cancer syndrome. Also called: Hereditary breast and ovarian cancer syndrome (HBOC); Hereditary breast and ovarian cancer syndrome; Breast and ovarian cancer; Hereditary breast and ovarian cancer; Hereditary breast and/or ovarian cancer syndrome; BRCA1- and BRCA2-Associated Hereditary Breast and Ovarian Cancer. Identifiers: Orphanet 145, MedGen C0677776, MeSH D061325, MONDO:0003582. Disease mechanism: loss of function.
Breast-ovarian cancer, familial, susceptibility to, 2 (BROVCA2). Also called: BRCA2 Hereditary Breast and Ovarian Cancer. Identifiers: Orphanet 145, MedGen C2675520, MONDO:0012933, OMIM 612555. Disease mechanism: loss of function.

Submissions (9):

Women's Health and Genetics/Laboratory Corporation of America, LabCorp
Classification: Uncertain significance. Last evaluated: 2026-06-08. Review status: criteria provided, single submitter. Criteria: LabCorp Variant Classification Summary - May 2015. Collection method: clinical testing. Allele origin: germline.

Labcorp Genetics (formerly Invitae), Labcorp
Classification: Uncertain significance for Hereditary breast ovarian cancer syndrome. Last evaluated: 2025-11-24. Review status: criteria provided, single submitter. Criteria: Invitae Variant Classification Sherloc (09022015). Collection method: clinical testing. Allele origin: germline.
Comment: This sequence change replaces serine, which is neutral and polar, with glycine, which is neutral and non-polar, at codon 2710 of the BRCA2 protein (p.Ser2710Gly). This variant is not present in population databases (gnomAD no frequency). This variant has not been reported in the literature in individuals affected with BRCA2-related conditions. ClinVar contains an entry for this variant (Variation ID: 91502). Invitae Evidence Modeling of protein sequence and biophysical properties (such as structural, functional, and spatial information, amino acid conservation, physicochemical variation, residue mobility, and thermodynamic stability) indicates that this missense variant is not expected to disrupt BRCA2 protein function with a negative predictive value of 95%. In summary, the available evidence is currently insufficient to determine the role of this variant in disease. Therefore, it has been classified as a Variant of Uncertain Significance.

All of Us Research Program, National Institutes of Health
Classification: Uncertain significance for Breast-ovarian cancer, familial, susceptibility to, 2. Last evaluated: 2023-12-01. Review status: criteria provided, single submitter. Criteria: ACMG Guidelines, 2015. Collection method: clinical testing. Allele origin: germline. Inheritance: Autosomal dominant inheritance. Observed: 4 variant alleles, 4 heterozygotes.
Comment: This missense variant replaces serine with glycine at codon 2710 of the BRCA2 protein. Computational prediction suggests that this variant may not impact protein structure and function (internally defined REVEL score threshold <= 0.5, PMID: 27666373). To our knowledge, functional studies have not been reported for this variant. This variant has not been reported in individuals affected with BRCA2-related disorders in the literature. This variant has not been identified in the general population by the Genome Aggregation Database (gnomAD). The available evidence is insufficient to determine the role of this variant in disease conclusively. Therefore, this variant is classified as a Variant of Uncertain Significance.

This study involves interpretation of variants in research participants for the purpose of population health screening. Participant phenotype was not available at the time of variant classification. Additional details can be found in publication PMID: 35346344, PMCID: PMC8962531

Color Diagnostics, LLC DBA Color Health
Classification: Uncertain significance for Hereditary cancer-predisposing syndrome. Last evaluated: 2023-03-15. Review status: criteria provided, single submitter. Criteria: ACMG Guidelines, 2015. Collection method: clinical testing. Allele origin: germline.
Comment: This missense variant replaces serine with glycine at codon 2710 of the BRCA2 protein. Computational prediction suggests that this variant may not impact protein structure and function (internally defined REVEL score threshold <= 0.5, PMID: 27666373). To our knowledge, functional studies have not been reported for this variant. This variant has not been reported in individuals affected with BRCA2-related disorders in the literature. This variant has not been identified in the general population by the Genome Aggregation Database (gnomAD). The available evidence is insufficient to determine the role of this variant in disease conclusively. Therefore, this variant is classified as a Variant of Uncertain Significance.

Mayo Clinic Laboratories, Mayo Clinic
Classification: Uncertain significance. Last evaluated: 2020-11-20. Review status: criteria provided, single submitter. Criteria: ACMG Guidelines, 2015. Collection method: clinical testing. Allele origin: germline. Observed: 1 variant allele.

Quest Diagnostics Nichols Institute San Juan Capistrano
Classification: Uncertain significance. Last evaluated: 2019-10-18. Review status: criteria provided, single submitter. Criteria: Quest Diagnostics criteria. Collection method: clinical testing. Allele origin: unknown.

Ambry Genetics
Classification: Likely benign for Hereditary cancer-predisposing syndrome. Last evaluated: 2018-09-23. Review status: criteria provided, single submitter. Criteria: Ambry Variant Classification Scheme 2023. Collection method: clinical testing. Allele origin: germline.

Counsyl
Classification: Uncertain significance for Breast-ovarian cancer, familial, susceptibility to, 2. Last evaluated: 2018-05-03. Review status: no assertion criteria provided. Collection method: clinical testing. Allele origin: unknown. Not counted in ClinVar's aggregate classification.

Sharing Clinical Reports Project (SCRP)
Classification: Uncertain significance for Breast-ovarian cancer, familial 2. Last evaluated: 2011-03-08. Review status: no assertion criteria provided. Collection method: clinical testing. Allele origin: germline. Not counted in ClinVar's aggregate classification.

NM_000059.4(BRCA2):c.8128A>G (p.Ser2710Gly)

Gene: BRCA2 (BRCA2 DNA repair associated; plus strand). Cytogenetic location: 13q13.1.
Variant type: single nucleotide variant.
Coding change: c.8128A>G on transcript NM_000059.4 (MANE Select); coding-DNA position 8128, A replaced by G.
Protein change: p.Ser2710Gly; replaces serine 2710 with glycine.
Molecular consequence: missense variant.
Genome position (GRCh38, 1-based): chr13:32,363,330, A>G. VCF-style: chr13-32363330-A-G. GRCh37 (hg19) VCF-style: chr13-32937467-A-G.
Other names: 8356A>G; short protein forms S2710G.
Identifiers: ClinVar variation 91502 (VCV000091502.28), dbSNP rs398122597, ClinGen allele CA025464.